The following is an entry in ClinVar:

NM_002206.3(ITGA7):c.34dup (p.Ala12fs)

Gene: ITGA7 (integrin subunit alpha 7; minus strand). Cytogenetic location: 12q13.2.
Variant type: Duplication.
Coding change: c.34dup on transcript NM_002206.3 (MANE Select); coding-DNA position 34, one base duplicated (G; older notation c.34dupG).
Protein change: p.Ala12fs; shifts the reading frame from alanine 12.
Molecular consequence: frameshift variant. On other transcripts: 5 prime UTR variant (1), intron variant (3).
Genome position (GRCh38, 1-based): chr12:55,707,649, C duplicated on the plus strand (G on the coding strand, the reverse complement: ITGA7 is on the minus strand); the first of 6 consecutive C bases (chr12:55,707,649-55,707,654); duplicating any one gives the same sequence. VCF-style (leftmost placement, unchanged base first): chr12-55707648-G-GC. GRCh37 (hg19) VCF-style: chr12-56101432-G-GC.
Other names: c.34dup, p.Ala12fs (NM_001144996.2, NM_001374465.1, NM_001410977.1 and 6 more transcripts); c.-1139dup (NM_001367994.1); c.85+4414dup (NM_001144997.2); c.-134+4414dup (NM_001367993.1, NM_001414035.1); short protein forms A12fs.
Identifiers: ClinVar variation 1452654 (VCV001452654.13), dbSNP rs1384460756, ClinGen allele CA605247173.

ClinVar aggregate classification (germline): Pathogenic/Likely pathogenic. Review status: criteria provided, multiple submitters, no conflicts (2 of 4 stars). 2 submissions from 2 submitters: Pathogenic (1); Likely pathogenic (1). Last evaluated 2025-09-06.

Conditions:
Congenital muscular dystrophy due to integrin alpha-7 deficiency. Also called: MYOPATHY, CONGENITAL, DUE TO INTEGRIN ALPHA-7 DEFICIENCY; Congenital muscular dystrophy with integrin alpha-7 deficiency; Muscular dystrophy, congenital, due to ITGA7 deficiency. Identifiers: Orphanet 34520, MedGen C2750786, MONDO:0013177, OMIM 613204.

Submissions (2):

Labcorp Genetics (formerly Invitae), Labcorp
Classification: Pathogenic for Congenital muscular dystrophy due to integrin alpha-7 deficiency. Last evaluated: 2025-09-06. Review status: criteria provided, single submitter. Criteria: Invitae Variant Classification Sherloc (09022015). Collection method: clinical testing. Allele origin: germline.
Comment: This sequence change creates a premature translational stop signal (p.Ala12Glyfs*91) in the ITGA7 gene. It is expected to result in an absent or disrupted protein product. Loss-of-function variants in ITGA7 are known to be pathogenic (PMID: 9590299). The frequency data for this variant in the population databases is considered unreliable, as metrics indicate poor data quality at this position in the gnomAD database. This variant has not been reported in the literature in individuals affected with ITGA7-related conditions. ClinVar contains an entry for this variant (Variation ID: 1452654). For these reasons, this variant has been classified as Pathogenic.

Revvity Omics, Revvity
Classification: Likely pathogenic for Congenital muscular dystrophy due to integrin alpha-7 deficiency. Last evaluated: 2025-03-03. Review status: criteria provided, single submitter. Criteria: ACMG Guidelines, 2015. Collection method: clinical testing. Allele origin: germline.

Literature cited by the submitters: PubMed 9590299 (cited by Labcorp Genetics (formerly Invitae), Labcorp).